The following is an entry in ClinVar:

ClinVar aggregate classification (germline): Likely benign (1 of 4 stars; one submission).

Allele frequency attached by ClinVar (database versions not stated): ExAC 0.00001.
gnomAD v4.1: 90 of 1,191,054 alleles (0.0076%); highest among the groups gnomAD compares: Non-Finnish European, 0.0098%; no homozygotes.

Submission:

CeGaT Center for Human Genetics Tuebingen
Classification: Likely benign. Last evaluated: 2022-08-01. Review status: criteria provided, single submitter. Criteria: CeGaT Center For Human Genetics Tuebingen Variant Classification Criteria Version 2. Collection method: clinical testing. Allele origin: germline. Affected: yes. Observed: 1 variant allele.
Comment: KLHL13: BP4, BP7

NM_001168302.2(KLHL13):c.1368C>T (p.Ala456=)

Gene: KLHL13 (kelch like family member 13; minus strand). Cytogenetic location: Xq24.
Variant type: single nucleotide variant.
Coding change: c.1368C>T on transcript NM_001168302.2 (MANE Select); coding-DNA position 1368, C replaced by T.
Protein change: p.Ala456=; no amino-acid change (alanine 456 retained).
Molecular consequence: synonymous variant.
Genome position (GRCh38, 1-based): chrX:117,901,897, G>A on the plus strand (C>T on the coding strand, the complement: KLHL13 is on the minus strand). VCF-style: chrX-117901897-G-A. GRCh37 (hg19) VCF-style: chrX-117035860-G-A.
Other names: c.1425C>T, p.Ala475= (NM_001168299.2); c.1398C>T, p.Ala466= (NM_001168300.2); c.1368C>T, p.Ala456= (NM_001168301.2); c.1263C>T, p.Ala421= (NM_001168303.4); c.1416C>T, p.Ala472= (NM_001394863.1, NM_033495.4); c.1389C>T, p.Ala463= (NM_001394864.1); c.1281C>T, p.Ala427= (NM_001394866.1).
Identifiers: ClinVar variation 2661257 (VCV002661257.24), dbSNP rs758444002, ClinGen allele CA10497850.
Genomic context (GRCh38, chrX:117,901,897, plus strand): 5'-AATATACATCACTCCTCCATACACAGTTCCAGCATGGCCATAGTGGGGCTCACTCATTTT[G>A]GCAACATAGGTCCATTCATTTGTTCTTGGATTGTAACATTCTACTGTGGCTGTTAAAAAA-3'
Protein context (NP_001161774.1, residues 446-466): NPRTNEWTYV[Ala456=]KMSEPHYGHA